The following is an entry in ClinVar:

NM_005911.6(MAT2A):c.16A>C (p.Asn6His)

Gene: MAT2A (methionine adenosyltransferase 2A; plus strand). Cytogenetic location: 2p11.2.
Variant type: single nucleotide variant.
Coding change: c.16A>C on transcript NM_005911.6 (MANE Select); coding-DNA position 16, A replaced by C.
Protein change: p.Asn6His; replaces asparagine 6 with histidine.
Molecular consequence: missense variant.
Genome position (GRCh38, 1-based): chr2:85,539,303, A>C. VCF-style: chr2-85539303-A-C. GRCh37 (hg19) VCF-style: chr2-85766426-A-C.
Other names: short protein forms N6H.
Identifiers: ClinVar variation 1778322 (VCV001778322.7), dbSNP rs768987572, ClinGen allele CA1741267.

ClinVar aggregate classification (germline): Uncertain significance. Review status: criteria provided, multiple submitters, no conflicts (2 of 4 stars). 2 submissions from 2 submitters: Uncertain significance (2). Last evaluated 2023-03-20.

Conditions:
Cardiovascular phenotype. Identifiers: MedGen CN230736.
Familial thoracic aortic aneurysm and aortic dissection (TAAD). Also called: Thoracic aortic aneurysms and dissections. Identifiers: Orphanet 91387, MedGen C4707243, MONDO:0019625.

Allele frequency attached by ClinVar (database versions not stated): ExAC 0.00001.

Submissions (2):

Labcorp Genetics (formerly Invitae), Labcorp
Classification: Uncertain significance for Familial thoracic aortic aneurysm and aortic dissection. Last evaluated: 2023-03-20. Review status: criteria provided, single submitter. Criteria: Invitae Variant Classification Sherloc (09022015). Collection method: clinical testing. Allele origin: germline.
Comment: This sequence change replaces asparagine, which is neutral and polar, with histidine, which is basic and polar, at codon 6 of the MAT2A protein (p.Asn6His). This variant is present in population databases (rs768987572, gnomAD 0.003%). This variant has not been reported in the literature in individuals affected with MAT2A-related conditions. ClinVar contains an entry for this variant (Variation ID: 1778322). An algorithm developed to predict the effect of missense changes on protein structure and function (PolyPhen-2) suggests that this variant is likely to be tolerated. In summary, the available evidence is currently insufficient to determine the role of this variant in disease. Therefore, it has been classified as a Variant of Uncertain Significance.

Ambry Genetics
Classification: Uncertain significance for Cardiovascular phenotype. Last evaluated: 2022-09-05. Review status: criteria provided, single submitter. Criteria: Ambry Variant Classification Scheme 2023. Collection method: clinical testing. Allele origin: germline.
Comment: The p.N6H variant (also known as c.16A>C), located in coding exon 1 of the MAT2A gene, results from an A to C substitution at nucleotide position 16. The asparagine at codon 6 is replaced by histidine, an amino acid with similar properties. This amino acid position is conserved. In addition, the in silico prediction for this alteration is inconclusive. Since supporting evidence is limited at this time, the clinical significance of this alteration remains unclear.